The following is an entry in ClinVar:

NM_000215.4(JAK3):c.4G>C (p.Ala2Pro)

Gene: JAK3 (Janus kinase 3; minus strand). Cytogenetic location: 19p13.11.
Variant type: single nucleotide variant.
Coding change: c.4G>C on transcript NM_000215.4 (MANE Select); coding-DNA position 4, G replaced by C.
Protein change: p.Ala2Pro; replaces alanine 2 with proline.
Molecular consequence: missense variant.
Genome position (GRCh38, 1-based): chr19:17,844,414, C>G on the plus strand (G>C on the coding strand, the complement: JAK3 is on the minus strand). VCF-style: chr19-17844414-C-G. GRCh37 (hg19) VCF-style: chr19-17955223-C-G.
Other names: short protein forms A2P.
Identifiers: ClinVar variation 2135073 (VCV002135073.4), dbSNP rs2147701252, ClinGen allele CA404775622.

ClinVar aggregate classification (germline): Uncertain significance (1 of 4 stars; one submission).

Conditions:
T-B+ severe combined immunodeficiency due to JAK3 deficiency. Also called: SCID, autosomal recessive, T-negative/B-positive type; SCID, T CELL-NEGATIVE, B CELL-POSITIVE, NK CELL-NEGATIVE. Identifiers: Orphanet 35078, MedGen C1833275, MONDO:0010938, OMIM 600802.

Submission:

Labcorp Genetics (formerly Invitae), Labcorp
Classification: Uncertain significance for T-B+ severe combined immunodeficiency due to JAK3 deficiency. Last evaluated: 2022-05-07. Review status: criteria provided, single submitter. Criteria: Invitae Variant Classification Sherloc (09022015). Collection method: clinical testing. Allele origin: germline.
Comment: In summary, the available evidence is currently insufficient to determine the role of this variant in disease. Therefore, it has been classified as a Variant of Uncertain Significance. Advanced modeling of protein sequence and biophysical properties (such as structural, functional, and spatial information, amino acid conservation, physicochemical variation, residue mobility, and thermodynamic stability) performed at Invitae indicates that this missense variant is not expected to disrupt JAK3 protein function. This variant has not been reported in the literature in individuals affected with JAK3-related conditions. This variant is not present in population databases (gnomAD no frequency). This sequence change replaces alanine, which is neutral and non-polar, with proline, which is neutral and non-polar, at codon 2 of the JAK3 protein (p.Ala2Pro).